The following is an entry in ClinVar:

NM_016122.3(CEP83):c.1486A>G (p.Asn496Asp)

Gene: CEP83 (centrosomal protein 83; minus strand). Cytogenetic location: 12q22.
Variant type: single nucleotide variant.
Coding change: c.1486A>G on transcript NM_016122.3 (MANE Select); coding-DNA position 1486, A replaced by G.
Protein change: p.Asn496Asp; replaces asparagine 496 with aspartic acid.
Molecular consequence: missense variant. On other transcripts: non-coding transcript variant (2).
Genome position (GRCh38, 1-based): chr12:94,333,573, T>C on the plus strand (A>G on the coding strand, the complement: CEP83 is on the minus strand). VCF-style: chr12-94333573-T-C. GRCh37 (hg19) VCF-style: chr12-94727349-T-C.
Other names: c.1486A>G, p.Asn496Asp (NM_001042399.2, NM_001346457.2, NM_001368037.1 and 1 more transcripts); c.1174A>G, p.Asn392Asp (NM_001346458.2, NM_001346459.2, NM_001368039.1 and 1 more transcripts); c.1261A>G, p.Asn421Asp (NM_001368041.1); short protein forms N392D, N421D, N496D.
Identifiers: ClinVar variation 1360828 (VCV001360828.3), dbSNP rs1232030056, ClinGen allele CA386144323.

ClinVar aggregate classification (germline): Uncertain significance (1 of 4 stars; one submission).

Conditions:
Nephronophthisis 18 (NPHP18). Identifiers: Orphanet 655, MedGen C3890591, MONDO:0014374, OMIM 615862.

Allele frequency attached by ClinVar (database versions not stated): gnomAD exomes below 0.00001 and 0.00001; TOPMed below 0.00001; gnomAD 0.00001.
gnomAD v4.1: 7 of 1,613,932 alleles (0.00043%); highest among the groups gnomAD compares: Non-Finnish European, 0.00051%; no homozygotes.

Submission:

Labcorp Genetics (formerly Invitae), Labcorp
Classification: Uncertain significance for Nephronophthisis 18. Last evaluated: 2021-11-09. Review status: criteria provided, single submitter. Criteria: Invitae Variant Classification Sherloc (09022015). Collection method: clinical testing. Allele origin: germline.
Comment: This sequence change replaces asparagine, which is neutral and polar, with aspartic acid, which is acidic and polar, at codon 496 of the CEP83 protein (p.Asn496Asp). This variant is present in population databases (no rsID available, gnomAD 0.003%). This variant has not been reported in the literature in individuals affected with CEP83-related conditions. Algorithms developed to predict the effect of missense changes on protein structure and function are either unavailable or do not agree on the potential impact of this missense change (SIFT: "Not Available"; PolyPhen-2: "Probably Damaging"; Align-GVGD: "Not Available"). Algorithms developed to predict the effect of sequence changes on RNA splicing suggest that this variant may create or strengthen a splice site. In summary, the available evidence is currently insufficient to determine the role of this variant in disease. Therefore, it has been classified as a Variant of Uncertain Significance.